The following is an entry in ClinVar:

ClinVar aggregate classification (germline): Conflicting classifications of pathogenicity. Review status: criteria provided, conflicting classifications (1 of 4 stars). 6 submissions from 6 submitters: Uncertain significance (3); Likely benign (2). 1 of the submissions does not count toward it. Last evaluated 2025-06-23.

Conditions:
Leukoencephalopathy with mild cerebellar ataxia and white matter edema (LKPAT). Also called: Leukoencephalopathy with ataxia; Leukoencephalopathy with white matter edema; Brain white matter edema; CLCN2-Related Leukoencephalopathy. Identifiers: Orphanet 363540, MedGen C4554120, MONDO:0014292, OMIM 615651. Disease mechanism: loss of function.
Epilepsy, idiopathic generalized, susceptibility to, 11 (EIG11). Identifiers: Orphanet 307, MedGen C2750893, MONDO:0011875, OMIM 607628.
Familial hyperaldosteronism type II. Also called: FH II. Identifiers: Orphanet 404, MedGen C1854107, MONDO:0011576, OMIM 605635.
Inborn genetic diseases. Identifiers: MedGen C0950123, MeSH D030342.

Allele frequency attached by ClinVar (database versions not stated): gnomAD 0.00008 and 0.00011; TOPMed 0.00022; gnomAD exomes 0.00028; ExAC 0.00030; 1000 Genomes Project 30x 0.00047; 1000 Genomes Project 0.00060.
gnomAD v4.1: 164 of 1,614,216 alleles (0.01%); highest among the groups gnomAD compares: East Asian, 0.33%; no homozygotes.

Submissions (6):

GeneDx
Classification: Uncertain significance. Last evaluated: 2025-06-23. Review status: criteria provided, single submitter. Criteria: GeneDx Variant Classification Process June 2021. Collection method: clinical testing. Allele origin: germline. Affected: yes.
Comment: Published functional studies demonstrate a damaging effect (PMID: 40147727); In silico analysis supports that this missense variant has a deleterious effect on protein structure/function; This variant is associated with the following publications: (PMID: 40147727)

Labcorp Genetics (formerly Invitae), Labcorp
Classification: Likely benign. Last evaluated: 2024-10-29. Review status: criteria provided, single submitter. Criteria: Invitae Variant Classification Sherloc (09022015). Collection method: clinical testing. Allele origin: germline.

Blueprint Genetics
Classification: Uncertain significance. Last evaluated: 2023-11-24. Review status: criteria provided, single submitter. Criteria: ACMG Guidelines, 2015. Collection method: clinical testing. Allele origin: germline.

Ambry Genetics
Classification: Uncertain significance for Inborn genetic diseases. Last evaluated: 2023-02-28. Review status: criteria provided, single submitter. Criteria: Ambry Variant Classification Scheme 2023. Collection method: clinical testing. Allele origin: germline.

Fulgent Genetics
Classification: Likely benign for Familial hyperaldosteronism type II; Epilepsy, idiopathic generalized, susceptibility to, 11; Leukoencephalopathy with mild cerebellar ataxia and white matter edema. Last evaluated: 2021-07-14. Review status: criteria provided, single submitter. Criteria: ACMG Guidelines, 2015. Collection method: clinical testing. Allele origin: unknown.

School Of Forensic, Xinxiang Medical University
Classification: Likely pathogenic for Epilepsy, idiopathic generalized, susceptibility to, 11. Review status: no assertion criteria provided. Collection method: research. Allele origin: germline. Inheritance: Autosomal dominant inheritance. Affected: yes. Observed: 1 heterozygote. Not counted in ClinVar's aggregate classification.

NM_004366.6(CLCN2):c.1141C>G (p.Pro381Ala)

Gene: CLCN2 (chloride voltage-gated channel 2; minus strand). Cytogenetic location: 3q27.1.
Variant type: single nucleotide variant.
Coding change: c.1141C>G on transcript NM_004366.6 (MANE Select); coding-DNA position 1141, C replaced by G.
Protein change: p.Pro381Ala; replaces proline 381 with alanine.
Molecular consequence: missense variant.
Genome position (GRCh38, 1-based): chr3:184,355,723, G>C on the plus strand (C>G on the coding strand, the complement: CLCN2 is on the minus strand). VCF-style: chr3-184355723-G-C. GRCh37 (hg19) VCF-style: chr3-184073511-G-C.
Other names: c.1141C>G (NM_004366.4); c.1141C>G, p.Pro381Ala (NM_001171087.3, NM_001171089.3); c.1009C>G, p.Pro337Ala (NM_001171088.3); short protein forms P337A, P381A.
Identifiers: ClinVar variation 772363 (VCV000772363.14), dbSNP rs141605519, ClinGen allele CA2734222.